The following is an entry in ClinVar:

ClinVar aggregate classification (germline): Pathogenic (1 of 4 stars; one submission).

Conditions:
Peutz-Jeghers syndrome (PJS). Also called: POLYPOSIS, HAMARTOMATOUS INTESTINAL; POLYPS-AND-SPOTS SYNDROME; Peutz-Jeghers polyposis; Periorificial lentiginosis syndrome. Identifiers: Orphanet 2869, MedGen C0031269, MeSH D010580, MONDO:0008280, OMIM 175200.

Submission:

Labcorp Genetics (formerly Invitae), Labcorp
Classification: Pathogenic for Peutz-Jeghers syndrome. Last evaluated: 2015-10-31. Review status: criteria provided, single submitter. Criteria: Invitae Variant Classification Sherloc (09022015). Collection method: clinical testing. Allele origin: germline.
Comment: For these reasons, this variant has been classified as Pathogenic. While this particular variant has not been reported in the literature, truncating variants in STK11 are known to be pathogenic (PMID: 15188174, 16287113). This sequence change deletes 1 nucleotide from exon 3 of the STK11 mRNA (c.394delT), causing a frameshift at codon 132. This creates a premature translational stop signal (p.Cys132Alafs*29) and is expected to result in an absent or disrupted protein product.

Literature cited by the submitters: PubMed 15188174; PubMed 16287113.

NM_000455.5(STK11):c.394del (p.Cys132fs)

Gene: STK11 (serine/threonine kinase 11; plus strand). Cytogenetic location: 19p13.3.
Variant type: Deletion.
Coding change: c.394del on transcript NM_000455.5 (MANE Select); coding-DNA position 394, one base deleted (T; older notation c.394delT).
Protein change: p.Cys132fs; shifts the reading frame from cysteine 132.
Molecular consequence: frameshift variant.
Genome position (GRCh38, 1-based): chr19:1,219,343, T deleted. VCF-style (leftmost placement, unchanged base first): chr19-1219342-CT-C. GRCh37 (hg19) VCF-style: chr19-1219341-CT-C.
Other names: c.394delT (NM_000455.4); short protein forms C132fs.
Identifiers: ClinVar variation 220968 (VCV000220968.6), dbSNP rs864622707, ClinGen allele CA350035.